The following is an entry in ClinVar:

NM_198576.4(AGRN):c.4286G>A (p.Arg1429His)

Gene: AGRN (agrin; plus strand). Cytogenetic location: 1p36.33.
Variant type: single nucleotide variant.
Coding change: c.4286G>A on transcript NM_198576.4 (MANE Select); coding-DNA position 4286, G replaced by A.
Protein change: p.Arg1429His; replaces arginine 1429 with histidine.
Molecular consequence: missense variant.
Genome position (GRCh38, 1-based): chr1:1,049,047, G>A. VCF-style: chr1-1049047-G-A. GRCh37 (hg19) VCF-style: chr1-984427-G-A.
Other names: c.4286G>A, p.Arg1429His (NM_001305275.2); c.3971G>A, p.Arg1324His (NM_001364727.2); c.4286G>A (NM_198576.3); short protein forms R1429H, R1324H.
Identifiers: ClinVar variation 1366742 (VCV001366742.6), dbSNP rs756082014, ClinGen allele CA509374.

ClinVar aggregate classification (germline): Uncertain significance. Review status: criteria provided, multiple submitters, no conflicts (2 of 4 stars). 3 submissions from 3 submitters: Uncertain significance (3). Last evaluated 2025-08-13.

Conditions:
Inborn genetic diseases. Identifiers: MedGen C0950123, MeSH D030342.
Congenital myasthenic syndrome 8. Also called: Myasthenic syndrome, congenital, 8, with pre- and postsynaptic defects; MYASTHENIC SYNDROME, CONGENITAL, DUE TO AGRIN DEFICIENCY. Identifiers: Orphanet 590, MedGen C3808739, MONDO:0014052, OMIM 615120.

Allele frequency attached by ClinVar (database versions not stated): gnomAD exomes 0.00004; gnomAD 0.00005 and 0.00006; ExAC 0.00009.
gnomAD v4.1: 96 of 1,554,736 alleles (0.0062%); highest among the groups gnomAD compares: East Asian, 0.017%; no homozygotes.

Submissions (3):

Ambry Genetics
Classification: Uncertain significance for Inborn genetic diseases. Last evaluated: 2025-08-13. Review status: criteria provided, single submitter. Criteria: Ambry Variant Classification Scheme 2023. Collection method: clinical testing. Allele origin: germline.

Revvity Omics, Revvity
Classification: Uncertain significance for Congenital myasthenic syndrome 8. Last evaluated: 2023-06-07. Review status: criteria provided, single submitter. Criteria: ACMG Guidelines, 2015. Collection method: clinical testing. Allele origin: germline.

Labcorp Genetics (formerly Invitae), Labcorp
Classification: Uncertain significance for Congenital myasthenic syndrome 8. Last evaluated: 2021-11-07. Review status: criteria provided, single submitter. Criteria: Invitae Variant Classification Sherloc (09022015). Collection method: clinical testing. Allele origin: germline.
Comment: This sequence change replaces arginine, which is basic and polar, with histidine, which is basic and polar, at codon 1429 of the AGRN protein (p.Arg1429His). The frequency data for this variant in the population databases is considered unreliable, as metrics indicate poor data quality at this position in the gnomAD database. This variant has not been reported in the literature in individuals affected with AGRN-related conditions. Algorithms developed to predict the effect of missense changes on protein structure and function output the following: SIFT: "Tolerated"; PolyPhen-2: "Benign"; Align-GVGD: "Class C0". The histidine amino acid residue is found in multiple mammalian species, which suggests that this missense change does not adversely affect protein function. In summary, the available evidence is currently insufficient to determine the role of this variant in disease. Therefore, it has been classified as a Variant of Uncertain Significance.